The following is an entry in ClinVar:

NM_000038.6(APC):c.537del (p.Leu180fs)

Gene: APC (APC regulator of Wnt signaling pathway; plus strand). Cytogenetic location: 5q22.2.
Variant type: Deletion.
Coding change: c.537del on transcript NM_000038.6 (MANE Select); coding-DNA position 537, one base deleted (C; older notation c.537delC).
Protein change: p.Leu180fs; shifts the reading frame from leucine 180.
Molecular consequence: frameshift variant. On other transcripts: 5 prime UTR variant (1).
Genome position (GRCh38, 1-based): chr5:112,780,795, C deleted; the last of 2 consecutive C bases (chr5:112,780,794-112,780,795); deleting either gives the same sequence. VCF-style (leftmost placement, unchanged base first): chr5-112780793-TC-T. GRCh37 (hg19) VCF-style: chr5-112116490-TC-T.
Other names: c.537del, p.Leu180fs (NM_001127510.3, NM_001354895.2, NM_001354896.2 and 2 more transcripts); c.567del, p.Leu190fs (NM_001127511.3, NM_001354897.2, NM_001354902.2); c.462del, p.Leu155fs (NM_001354898.2, NM_001354904.2); c.360del, p.Leu121fs (NM_001354900.2, NM_001354901.2, NM_001354905.2); c.-499del (NM_001354906.2); short protein forms L121fs, L155fs, L180fs, L190fs.
Identifiers: ClinVar variation 1071891 (VCV001071891.11), dbSNP rs35790168, ClinGen allele CA658760472.

ClinVar aggregate classification (germline): Pathogenic. Review status: criteria provided, multiple submitters, no conflicts (2 of 4 stars). 2 submissions from 2 submitters: Pathogenic (2). Last evaluated 2023-04-26.

Conditions:
Familial adenomatous polyposis 1 (FAP1). Also called: POLYPOSIS, ADENOMATOUS INTESTINAL; FAMILIAL ADENOMATOUS POLYPOSIS 1, ATTENUATED. Identifiers: MedGen C2713442, MONDO:0021056, OMIM 175100. Disease mechanism: loss of function.

Submissions (2):

Myriad Genetics, Inc.
Classification: Pathogenic for Familial adenomatous polyposis 1. Last evaluated: 2023-04-26. Review status: criteria provided, single submitter. Criteria: Myriad Autosomal Dominant, Autosomal Recessive and X-Linked Classification Criteria (2023). Collection method: clinical testing. Allele origin: unknown.
Comment: This variant is considered pathogenic. This variant creates a frameshift predicted to result in premature protein truncation.

Labcorp Genetics (formerly Invitae), Labcorp
Classification: Pathogenic for Familial adenomatous polyposis 1. Last evaluated: 2020-05-06. Review status: criteria provided, single submitter. Criteria: Invitae Variant Classification Sherloc (09022015). Collection method: clinical testing. Allele origin: germline.
Comment: This sequence change creates a premature translational stop signal (p.Leu180Tyrfs*5) in the APC gene. It is expected to result in an absent or disrupted protein product. For these reasons, this variant has been classified as Pathogenic. Loss-of-function variants in APC are known to be pathogenic (PMID: 17963004, 20685668). This variant has been observed in individual(s) with familial adenomatous polyposis (PMID: 21110124). This variant is not present in population databases (ExAC no frequency).

Literature cited by the submitters: PubMed 17963004 (cited by Labcorp Genetics (formerly Invitae), Labcorp); PubMed 20685668 (cited by Labcorp Genetics (formerly Invitae), Labcorp); PubMed 21110124 (cited by Labcorp Genetics (formerly Invitae), Labcorp).